The following is an entry in ClinVar:

NM_007294.4(BRCA1):c.4126A>G (p.Thr1376Ala)

Gene: BRCA1 (BRCA1 DNA repair associated; minus strand). Cytogenetic location: 17q21.31.
Variant type: single nucleotide variant.
Coding change: c.4126A>G on transcript NM_007294.4 (MANE Select); coding-DNA position 4126, A replaced by G.
Protein change: p.Thr1376Ala; replaces threonine 1376 with alanine.
Molecular consequence: missense variant. On other transcripts: non-coding transcript variant (1).
Genome position (GRCh38, 1-based): chr17:43,091,003, T>C on the plus strand (A>G on the coding strand, the complement: BRCA1 is on the minus strand). VCF-style: chr17-43091003-T-C. GRCh37 (hg19) VCF-style: chr17-41243020-T-C.
Other names: c.1522A>G, p.Thr508Ala (NM_001407968.1, NM_001407969.1); c.814A>G, p.Thr272Ala (NM_001407972.1, NM_001407984.1, NM_001407985.1 and 13 more transcripts); c.817A>G, p.Thr273Ala (NM_001407973.1, NM_001407971.1, NM_001407970.1 and 18 more transcripts); c.3985A>G, p.Thr1329Ala (NM_001407735.1, NM_001407736.1, NM_001407737.1 and 29 more transcripts); c.3982A>G, p.Thr1328Ala (NM_001407740.1, NM_001407741.1, NM_001407742.1 and 20 more transcripts); c.3913A>G, p.Thr1305Ala (NM_001407853.1, NM_001407894.1, NM_001407895.1 and 9 more transcripts); c.4126A>G, p.Thr1376Ala (NM_001407854.1, NM_001407858.1, NM_001407859.1 and 30 more transcripts); c.4123A>G, p.Thr1375Ala (NM_001407860.1, NM_001407861.1, NM_001407587.1 and 22 more transcripts); and 41 more; short protein forms T1329A, T1376A, T273A, T105A, T1264A, T1306A, T1328A, T1349A.
Identifiers: ClinVar variation 824612 (VCV000824612.19), dbSNP rs576828558, ClinGen allele CA10593471.

ClinVar aggregate classification (germline): Uncertain significance. Review status: criteria provided, multiple submitters, no conflicts (2 of 4 stars). 5 submissions from 5 submitters: Uncertain significance (4). 1 of the submissions does not count toward it. Last evaluated 2025-05-20.

Conditions:
Hereditary cancer-predisposing syndrome. Also called: Neoplastic Syndromes, Hereditary; Tumor predisposition; Hereditary neoplastic syndrome; Hereditary Cancer Syndrome. Identifiers: Orphanet 140162, MedGen C0027672, MeSH D009386, MONDO:0015356.
Hereditary breast ovarian cancer syndrome. Also called: Hereditary breast and ovarian cancer syndrome; Hereditary breast and ovarian cancer; Hereditary breast and ovarian cancer syndrome (HBOC); Breast and ovarian cancer; Hereditary breast and/or ovarian cancer syndrome; BRCA1- and BRCA2-Associated Hereditary Breast and Ovarian Cancer. Identifiers: Orphanet 145, MedGen C0677776, MeSH D061325, MONDO:0003582. Disease mechanism: loss of function.
Breast and/or ovarian cancer. Identifiers: MedGen CN221562.
Familial cancer of breast. Also called: BREAST CANCER, FAMILIAL; Hereditary breast cancer; hereditary breast carcinoma. Identifiers: Orphanet 227535, MedGen C0346153, MONDO:0016419, OMIM 114480. Disease mechanism: loss of function.

Allele frequency attached by ClinVar (database versions not stated): gnomAD exomes below 0.00001 and 0.00001; gnomAD 0.00001; 1000 Genomes Project 30x 0.00016; 1000 Genomes Project 0.00020.
gnomAD v4.1: 2 of 1,612,916 alleles (0.00012%); highest among the groups gnomAD compares: East Asian, 0.0045%; no homozygotes.

Submissions (5):

Quest Diagnostics Nichols Institute San Juan Capistrano
Classification: Uncertain significance. Last evaluated: 2025-05-20. Review status: criteria provided, single submitter. Criteria: Quest Diagnostics criteria. Collection method: clinical testing. Allele origin: unknown.
Comment: The BRCA1 c.4126A>G (p.Thr1376Ala) variant has been reported in the published literature in individuals with breast and/or ovarian cancer (PMID: 35918668 (2022)) and colorectal cancer (PMID: 33020649 (2020)). The frequency of this variant in the general population (Genome Aggregation Database) is uninformative in the assessment of its pathogenicity. Analysis of this variant using bioinformatics tools for the prediction of the effect of amino acid changes on protein structure and function yielded predictions that this variant is benign. Based on the available information, we are unable to determine the clinical significance of this variant.

Labcorp Genetics (formerly Invitae), Labcorp
Classification: Uncertain significance for Hereditary breast ovarian cancer syndrome. Last evaluated: 2024-11-14. Review status: criteria provided, single submitter. Criteria: Invitae Variant Classification Sherloc (09022015). Collection method: clinical testing. Allele origin: germline.
Comment: This sequence change replaces threonine, which is neutral and polar, with alanine, which is neutral and non-polar, at codon 1376 of the BRCA1 protein (p.Thr1376Ala). The frequency data for this variant in the population databases is considered unreliable, as metrics indicate poor data quality at this position in the gnomAD database. This missense change has been observed in individual(s) with breast and/or ovarian cancer (PMID: 35918668). ClinVar contains an entry for this variant (Variation ID: 824612). Invitae Evidence Modeling of protein sequence and biophysical properties (such as structural, functional, and spatial information, amino acid conservation, physicochemical variation, residue mobility, and thermodynamic stability) indicates that this missense variant is not expected to disrupt BRCA1 protein function with a negative predictive value of 80%. In summary, the available evidence is currently insufficient to determine the role of this variant in disease. Therefore, it has been classified as a Variant of Uncertain Significance.

Ambry Genetics
Classification: Uncertain significance for Hereditary cancer-predisposing syndrome. Last evaluated: 2024-07-15. Review status: criteria provided, single submitter. Criteria: Ambry Variant Classification Scheme 2023. Collection method: clinical testing. Allele origin: germline.
Comment: The p.T1376A variant (also known as c.4126A>G), located in coding exon 10 of the BRCA1 gene, results from an A to G substitution at nucleotide position 4126. The threonine at codon 1376 is replaced by alanine, an amino acid with similar properties. This variant was detected in 1/1664 Chinese Hakka patients with breast and/or ovarian cancer (Zhang Y et al. BMC Cancer, 2022 Aug;22:842). This amino acid position is not well conserved in available vertebrate species. In addition, the in silico prediction for this alteration is inconclusive. Based on the available evidence, the clinical significance of this variant remains unclear.

CHEO Genetics Diagnostic Laboratory, Children's Hospital of Eastern Ontario
Classification: Uncertain significance for Breast and/or ovarian cancer. Last evaluated: 2023-03-01. Review status: criteria provided, single submitter. Criteria: ACMG Guidelines, 2015. Collection method: clinical testing. Allele origin: germline.

Center for Precision Medicine, Meizhou People's Hospital
Classification: Uncertain significance for Familial cancer of breast. Review status: no assertion criteria provided. Collection method: curation. Allele origin: germline. Affected: yes. Not counted in ClinVar's aggregate classification.

Literature cited by the submitters: PubMed 35918668 (cited by 3 submitters); PubMed 33020649 (cited by Quest Diagnostics Nichols Institute San Juan Capistrano).